The following is an entry in ClinVar:

NM_003108.4(SOX11):c.1240C>G (p.Pro414Ala)

Gene: SOX11 (SRY-box transcription factor 11; plus strand). Cytogenetic location: 2p25.2.
Variant type: single nucleotide variant.
Coding change: c.1240C>G on transcript NM_003108.4 (MANE Select); coding-DNA position 1240, C replaced by G.
Protein change: p.Pro414Ala; replaces proline 414 with alanine.
Molecular consequence: missense variant.
Genome position (GRCh38, 1-based): chr2:5,693,961, C>G. VCF-style: chr2-5693961-C-G. GRCh37 (hg19) VCF-style: chr2-5834093-C-G.
Other names: short protein forms P414A.
Identifiers: ClinVar variation 5009579 (VCV005009579.1).

ClinVar aggregate classification (germline): Uncertain significance (1 of 4 stars; one submission).

Submission:

GeneDx
Classification: Uncertain significance. Last evaluated: 2026-03-21. Review status: criteria provided, single submitter. Criteria: GeneDx Variant Classification Process June 2021. Collection method: clinical testing. Allele origin: germline.
Comment: Not observed at significant frequency in large population cohorts (gnomAD); In silico analysis supports that this missense variant has a deleterious effect on protein structure/function; Has not been previously published as pathogenic or benign to our knowledge